The following is an entry in ClinVar:

ClinVar aggregate classification (germline): Likely benign. Review status: criteria provided, single submitter (1 of 4 stars). 2 submissions from 2 submitters: Likely benign (1). 1 of the submissions does not count toward it. Last evaluated 2026-01-21.

Conditions:
UNC80-related disorder. Also called: UNC80-related condition.

Allele frequency attached by ClinVar (database versions not stated): TOPMed 0.00002.
gnomAD v4.1: 21 of 1,551,458 alleles (0.0014%); highest among the groups gnomAD compares: African/African-American, 0.011%; no homozygotes.

Submissions (2):

Labcorp Genetics (formerly Invitae), Labcorp
Classification: Likely benign. Last evaluated: 2026-01-21. Review status: criteria provided, single submitter. Criteria: Invitae Variant Classification Sherloc (09022015). Collection method: clinical testing. Allele origin: germline.

PreventionGenetics, part of Exact Sciences
Classification: Likely benign for UNC80-related condition. Last evaluated: 2019-03-28. Review status: no assertion criteria provided. Collection method: clinical testing. Allele origin: germline. Not counted in ClinVar's aggregate classification.
Comment: This variant is classified as likely benign based on ACMG/AMP sequence variant interpretation guidelines (Richards et al. 2015 PMID: 25741868, with internal and published modifications).

NM_001371986.1(UNC80):c.7938G>A (p.Pro2646=)

Gene: UNC80 (unc-80 subunit of NALCN channel complex; plus strand). Cytogenetic location: 2q34.
Variant type: single nucleotide variant.
Coding change: c.7938G>A on transcript NM_001371986.1 (MANE Select); coding-DNA position 7938, G replaced by A.
Protein change: p.Pro2646=; no amino-acid change (proline 2646 retained).
Molecular consequence: synonymous variant.
Genome position (GRCh38, 1-based): chr2:209,967,569, G>A. VCF-style: chr2-209967569-G-A. GRCh37 (hg19) VCF-style: chr2-210832293-G-A.
Other names: c.7740G>A (NM_032504.1); c.7740G>A, p.Pro2580= (NM_032504.2); c.7725G>A, p.Pro2575= (NM_182587.4).
Identifiers: ClinVar variation 1659819 (VCV001659819.10), dbSNP rs750175498, ClinGen allele CA65045235.